The following is an entry in ClinVar:

ClinVar aggregate classification (germline): Uncertain significance (1 of 4 stars; one submission).

Conditions:
Cardiovascular phenotype. Identifiers: MedGen CN230736.

Allele frequency attached by ClinVar (database versions not stated): gnomAD exomes below 0.00001.
gnomAD v4.1: 1 of 1,614,010 alleles (0.000062%); highest among the groups gnomAD compares: Admixed American, 0.0017%; no homozygotes.

Submission:

Ambry Genetics
Classification: Uncertain significance for Cardiovascular phenotype. Last evaluated: 2022-04-04. Review status: criteria provided, single submitter. Criteria: Ambry Variant Classification Scheme 2023. Collection method: clinical testing. Allele origin: germline.
Comment: The p.N110Y variant (also known as c.328A>T), located in coding exon 3 of the MYOZ2 gene, results from an A to T substitution at nucleotide position 328. The asparagine at codon 110 is replaced by tyrosine, an amino acid with dissimilar properties. This amino acid position is conserved. In addition, this alteration is predicted to be tolerated by in silico analysis. Since supporting evidence is limited at this time, the clinical significance of this alteration remains unclear.

NM_016599.5(MYOZ2):c.328A>T (p.Asn110Tyr)

Gene: MYOZ2 (myozenin 2; plus strand). Cytogenetic location: 4q26.
Variant type: single nucleotide variant.
Coding change: c.328A>T on transcript NM_016599.5 (MANE Select); coding-DNA position 328, A replaced by T.
Protein change: p.Asn110Tyr; replaces asparagine 110 with tyrosine.
Molecular consequence: missense variant.
Genome position (GRCh38, 1-based): chr4:119,158,103, A>T. VCF-style: chr4-119158103-A-T. GRCh37 (hg19) VCF-style: chr4-120079258-A-T.
Other names: short protein forms N110Y.
Identifiers: ClinVar variation 1729822 (VCV001729822.2), dbSNP rs1158075899, ClinGen allele CA358203955.